The following is an entry in ClinVar:

ClinVar aggregate classification (germline): Uncertain significance (1 of 4 stars; one submission).

Allele frequency attached by ClinVar (database versions not stated): TOPMed 0.00001; gnomAD 0.00001; ExAC 0.00003.
gnomAD v4.1: 5 of 1,588,520 alleles (0.00031%); highest among the groups gnomAD compares: Admixed American, 0.005%; no homozygotes.

Submission:

Labcorp Genetics (formerly Invitae), Labcorp
Classification: Uncertain significance. Last evaluated: 2022-03-04. Review status: criteria provided, single submitter. Criteria: Invitae Variant Classification Sherloc (09022015). Collection method: clinical testing. Allele origin: germline.
Comment: This sequence change replaces glycine, which is neutral and non-polar, with serine, which is neutral and polar, at codon 611 of the BCL11B protein (p.Gly611Ser). This variant is present in population databases (rs776605814, gnomAD 0.006%). This variant has not been reported in the literature in individuals affected with BCL11B-related conditions. Algorithms developed to predict the effect of missense changes on protein structure and function (SIFT, PolyPhen-2, Align-GVGD) all suggest that this variant is likely to be tolerated. In summary, the available evidence is currently insufficient to determine the role of this variant in disease. Therefore, it has been classified as a Variant of Uncertain Significance.

NM_138576.4(BCL11B):c.1831G>A (p.Gly611Ser)

Gene: BCL11B (BCL11 transcription factor B; minus strand). Cytogenetic location: 14q32.2.
Variant type: single nucleotide variant.
Coding change: c.1831G>A on transcript NM_138576.4 (MANE Select); coding-DNA position 1831, G replaced by A.
Protein change: p.Gly611Ser; replaces glycine 611 with serine.
Molecular consequence: missense variant.
Genome position (GRCh38, 1-based): chr14:99,175,005, C>T on the plus strand (G>A on the coding strand, the complement: BCL11B is on the minus strand). VCF-style: chr14-99175005-C-T. GRCh37 (hg19) VCF-style: chr14-99641342-C-T.
Other names: c.1828G>A, p.Gly610Ser (NM_001282237.2); c.1615G>A, p.Gly539Ser (NM_001282238.2); c.1618G>A, p.Gly540Ser (NM_022898.3); short protein forms G539S, G540S, G611S, G610S.
Identifiers: ClinVar variation 2072626 (VCV002072626.4), dbSNP rs776605814, ClinGen allele CA7339592.